The following is an entry in ClinVar:

ClinVar aggregate classification (germline): Uncertain significance (1 of 4 stars; one submission).

Submission:

GeneDx
Classification: Uncertain significance. Last evaluated: 2025-03-08. Review status: criteria provided, single submitter. Criteria: GeneDx Variant Classification Process June 2021. Collection method: clinical testing. Allele origin: germline.
Comment: Not observed at significant frequency in large population cohorts (gnomAD); In silico analysis supports that this missense variant has a deleterious effect on protein structure/function; Has not been previously published as pathogenic or benign to our knowledge

NM_018263.6(ASXL2):c.4232A>T (p.Lys1411Ile)

Gene: ASXL2 (ASXL transcriptional regulator 2; minus strand). Cytogenetic location: 2p23.3.
Variant type: single nucleotide variant.
Coding change: c.4232A>T on transcript NM_018263.6 (MANE Select); coding-DNA position 4232, A replaced by T.
Protein change: p.Lys1411Ile; replaces lysine 1411 with isoleucine.
Molecular consequence: missense variant.
Genome position (GRCh38, 1-based): chr2:25,742,105, T>A on the plus strand (A>T on the coding strand, the complement: ASXL2 is on the minus strand). VCF-style: chr2-25742105-T-A. GRCh37 (hg19) VCF-style: chr2-25964974-T-A.
Other names: c.4058A>T, p.Lys1353Ile (NM_001369346.1); c.3452A>T, p.Lys1151Ile (NM_001369347.1); short protein forms K1151I, K1353I, K1411I.
Identifiers: ClinVar variation 2662511 (VCV002662511.2), dbSNP rs2465302103, ClinGen allele CA346073602.
Genomic context (GRCh38, chr2:25,742,105, plus strand): 5'-CAGGAGACGCACAGTTTGGAGGGGCCGATGCAATCATCATGGCAGAAAGCGCCACAGCCT[T>A]TGCACATGATCATGGCTTTCAAGCGGCAGTAACATTTCGAAGGCGTGCCCTCTATGCTGT-3'
Protein context (NP_060733.4, residues 1401-1421): YCRLKAMIMC[Lys1411Ile]GCGAFCHDDC